The following is an entry in ClinVar:

NM_030665.4(RAI1):c.2951C>T (p.Ala984Val)

Gene: RAI1 (retinoic acid induced 1; plus strand). Cytogenetic location: 17p11.2.
Variant type: single nucleotide variant.
Coding change: c.2951C>T on transcript NM_030665.4 (MANE Select); coding-DNA position 2951, C replaced by T.
Protein change: p.Ala984Val; replaces alanine 984 with valine.
Molecular consequence: missense variant.
Genome position (GRCh38, 1-based): chr17:17,795,899, C>T. VCF-style: chr17-17795899-C-T. GRCh37 (hg19) VCF-style: chr17-17699213-C-T.
Other names: short protein forms A984V.
Identifiers: ClinVar variation 682587 (VCV000682587.14), dbSNP rs371644042, ClinGen allele CA8418642.

ClinVar aggregate classification (germline): Benign/Likely benign. Review status: criteria provided, multiple submitters, no conflicts (2 of 4 stars). 4 submissions from 4 submitters: Benign (1); Likely benign (3). Last evaluated 2026-01-26.

Conditions:
Inborn genetic diseases. Identifiers: MedGen C0950123, MeSH D030342.
RAI1-related disorder. Also called: RAI1-related condition.

Allele frequency attached by ClinVar (database versions not stated): TOPMed 0.00002; gnomAD 0.00006; ESP Exome Variant Server 0.00008; 1000 Genomes Project 0.00080; 1000 Genomes Project 30x 0.00109.
gnomAD v4.1: 127 of 1,611,370 alleles (0.0079%); highest among the groups gnomAD compares: Admixed American, 0.022%; no homozygotes.

Submissions (4):

Labcorp Genetics (formerly Invitae), Labcorp
Classification: Benign. Last evaluated: 2026-01-26. Review status: criteria provided, single submitter. Criteria: Invitae Variant Classification Sherloc (09022015). Collection method: clinical testing. Allele origin: germline.

PreventionGenetics, part of Exact Sciences
Classification: Likely benign for RAI1-related condition. Last evaluated: 2025-05-09. Review status: criteria provided, single submitter. Criteria: ACMG Guidelines, 2015. Collection method: clinical testing. Allele origin: germline.
Comment: This variant is classified as likely benign based on ACMG/AMP sequence variant interpretation guidelines (Richards et al. 2015 PMID: 25741868, with internal and published modifications).

GeneDx
Classification: Likely benign. Last evaluated: 2019-12-03. Review status: criteria provided, single submitter. Criteria: GeneDx Variant Classification Process June 2021. Collection method: clinical testing. Allele origin: germline. Affected: yes.

Ambry Genetics
Classification: Likely benign for Inborn genetic diseases. Last evaluated: 2017-06-23. Review status: criteria provided, single submitter. Criteria: Ambry Variant Classification Scheme 2023. Collection method: clinical testing. Allele origin: germline.